The following is an entry in ClinVar:

NM_001161352.2(KCNMA1):c.3467T>C (p.Val1156Ala)

Gene: KCNMA1 (potassium calcium-activated channel subfamily M alpha 1; minus strand). Cytogenetic location: 10q22.3.
Variant type: single nucleotide variant.
Coding change: c.3467T>C on transcript NM_001161352.2 (MANE Select); coding-DNA position 3467, T replaced by C.
Protein change: p.Val1156Ala; replaces valine 1156 with alanine.
Molecular consequence: missense variant.
Genome position (GRCh38, 1-based): chr10:76,887,510, A>G on the plus strand (T>C on the coding strand, the complement: KCNMA1 is on the minus strand). VCF-style: chr10-76887510-A-G. GRCh37 (hg19) VCF-style: chr10-78647268-A-G.
Other names: c.3305T>C, p.Val1102Ala (NM_001014797.3); c.3416T>C, p.Val1139Ala (NM_001161353.2); c.3143T>C, p.Val1048Ala (NM_001271518.2); c.3383T>C, p.Val1128Ala (NM_001271519.2); c.3302T>C, p.Val1101Ala (NM_001322829.2, NM_001322836.2); c.3395T>C, p.Val1132Ala (NM_001322830.2); c.3293T>C, p.Val1098Ala (NM_001322832.2, NM_001410940.1, NM_002247.4); c.3386T>C, p.Val1129Ala (NM_001322835.2, NM_001322837.2); and 1 more; short protein forms V1102A, V1132A, V1048A, V1156A, V947A, V1139A, V1098A, V1101A.
Identifiers: ClinVar variation 2001979 (VCV002001979.4), dbSNP rs1280513332, ClinGen allele CA377402962.

ClinVar aggregate classification (germline): Uncertain significance (1 of 4 stars; one submission).

Conditions:
Generalized epilepsy-paroxysmal dyskinesia syndrome (PNKD3). Also called: Paroxysmal nonkinesigenic dyskinesia, 3, with or without generalized epilepsy; Generalized epilepsy and paroxysmal dyskinesia. Identifiers: Orphanet 79137, MedGen C5574945, MONDO:0012276, OMIM 609446.

Allele frequency attached by ClinVar (database versions not stated): TOPMed below 0.00001; gnomAD 0.00001.
gnomAD v4.1: 1 of 1,614,026 alleles (0.000062%); highest among the groups gnomAD compares: African/African-American, 0.0013%; no homozygotes.

Submission:

Labcorp Genetics (formerly Invitae), Labcorp
Classification: Uncertain significance for Generalized epilepsy-paroxysmal dyskinesia syndrome. Last evaluated: 2022-08-22. Review status: criteria provided, single submitter. Criteria: Invitae Variant Classification Sherloc (09022015). Collection method: clinical testing. Allele origin: germline.
Comment: In summary, the available evidence is currently insufficient to determine the role of this variant in disease. Therefore, it has been classified as a Variant of Uncertain Significance. Algorithms developed to predict the effect of missense changes on protein structure and function (SIFT, PolyPhen-2, Align-GVGD) all suggest that this variant is likely to be disruptive. This variant has not been reported in the literature in individuals affected with KCNMA1-related conditions. This variant is not present in population databases (gnomAD no frequency). This sequence change replaces valine, which is neutral and non-polar, with alanine, which is neutral and non-polar, at codon 1098 of the KCNMA1 protein (p.Val1098Ala).